The following is an entry in ClinVar:

NM_000143.4(FH):c.133-3T>A

Gene: FH (fumarate hydratase; minus strand). Cytogenetic location: 1q43.
Variant type: single nucleotide variant.
Coding change: c.133-3T>A on transcript NM_000143.4 (MANE Select); 3 bases into the intron before coding-DNA position 133, T replaced by A.
Molecular consequence: intron variant.
Genome position (GRCh38, 1-based): chr1:241,517,319, A>T on the plus strand (T>A on the coding strand, the complement: FH is on the minus strand). VCF-style: chr1-241517319-A-T. GRCh37 (hg19) VCF-style: chr1-241680619-A-T.
Identifiers: ClinVar variation 4827310 (VCV004827310.1).

ClinVar aggregate classification (germline): Uncertain significance (1 of 4 stars; one submission).

Conditions:
Hereditary cancer-predisposing syndrome. Also called: Neoplastic Syndromes, Hereditary; Tumor predisposition; Hereditary Cancer Syndrome; Hereditary neoplastic syndrome. Identifiers: Orphanet 140162, MedGen C0027672, MeSH D009386, MONDO:0015356.

Submission:

Ambry Genetics
Classification: Uncertain significance for Hereditary cancer-predisposing syndrome. Last evaluated: 2026-03-09. Review status: criteria provided, single submitter. Criteria: Ambry Variant Classification Scheme 2023. Collection method: clinical testing. Allele origin: germline.
Comment: The c.133-3T>A intronic variant results from a T to A substitution 3 nucleotides upstream from coding exon 2 in the FH gene. This nucleotide position is not well conserved in available vertebrate species. In silico splice site analysis predicts that this alteration will not have any significant effect on splicing; however, direct evidence is insufficient at this time (Ambry internal data). Based on the available evidence, the clinical significance of this variant remains unclear.